The following is an entry in ClinVar:

ClinVar aggregate classification (germline): Uncertain significance (1 of 4 stars; one submission).

Conditions:
Inborn genetic diseases. Identifiers: MedGen C0950123, MeSH D030342.

gnomAD v4.1: 4 of 1,614,178 alleles (0.00025%); highest among the groups gnomAD compares: Non-Finnish European, 0.00034%; no homozygotes.

Submission:

Ambry Genetics
Classification: Uncertain significance for Inborn genetic diseases. Last evaluated: 2023-09-08. Review status: criteria provided, single submitter. Criteria: Ambry Variant Classification Scheme 2023. Collection method: clinical testing. Allele origin: germline.
Comment: The p.E832D variant (also known as c.2496G>T), located in coding exon 16 of the EPAS1 gene, results from a G to T substitution at nucleotide position 2496. The glutamic acid at codon 832 is replaced by aspartic acid, an amino acid with highly similar properties. This amino acid position is conserved. In addition, this alteration is predicted to be tolerated by in silico analysis. Since supporting evidence is limited at this time, the clinical significance of this alteration remains unclear.

NM_001430.5(EPAS1):c.2496G>T (p.Glu832Asp)

Gene: EPAS1 (endothelial PAS domain protein 1; plus strand). Cytogenetic location: 2p21.
Variant type: single nucleotide variant.
Coding change: c.2496G>T on transcript NM_001430.5 (MANE Select); coding-DNA position 2496, G replaced by T.
Protein change: p.Glu832Asp; replaces glutamic acid 832 with aspartic acid.
Molecular consequence: missense variant.
Genome position (GRCh38, 1-based): chr2:46,384,543, G>T. VCF-style: chr2-46384543-G-T. GRCh37 (hg19) VCF-style: chr2-46611682-G-T.
Other names: short protein forms E832D.
Identifiers: ClinVar variation 2626669 (VCV002626669.2), dbSNP rs183095352, ClinGen allele CA346706997.